The following is an entry in ClinVar:

NM_003998.4(NFKB1):c.362A>G (p.Asp121Gly)

Gene: NFKB1 (nuclear factor kappa B subunit 1; plus strand). Cytogenetic location: 4q24.
Variant type: single nucleotide variant.
Coding change: c.362A>G on transcript NM_003998.4 (MANE Select); coding-DNA position 362, A replaced by G.
Protein change: p.Asp121Gly; replaces aspartic acid 121 with glycine.
Molecular consequence: missense variant.
Genome position (GRCh38, 1-based): chr4:102,567,090, A>G. VCF-style: chr4-102567090-A-G. GRCh37 (hg19) VCF-style: chr4-103488247-A-G.
Other names: c.359A>G, p.Asp120Gly (NM_001165412.2, NM_001319226.2, NM_001382627.1); c.362A>G, p.Asp121Gly (NM_001382625.1, NM_001382626.1); c.320A>G, p.Asp107Gly (NM_001382628.1); short protein forms D107G, D121G, D120G.
Identifiers: ClinVar variation 2784984 (VCV002784984.3), dbSNP rs747658024, ClinGen allele CA3025865.

ClinVar aggregate classification (germline): Uncertain significance (1 of 4 stars; one submission).

Allele frequency attached by ClinVar (database versions not stated): gnomAD exomes below 0.00001; ExAC 0.00001; gnomAD 0.00001; TOPMed 0.00001.
gnomAD v4.1: 4 of 1,613,870 alleles (0.00025%); highest among the groups gnomAD compares: African/African-American, 0.0027%; no homozygotes.

Submission:

Labcorp Genetics (formerly Invitae), Labcorp
Classification: Uncertain significance. Last evaluated: 2024-07-15. Review status: criteria provided, single submitter. Criteria: Invitae Variant Classification Sherloc (09022015). Collection method: clinical testing. Allele origin: germline.
Comment: This sequence change replaces aspartic acid, which is acidic and polar, with glycine, which is neutral and non-polar, at codon 121 of the NFKB1 protein (p.Asp121Gly). This variant is present in population databases (rs747658024, gnomAD 0.007%). This variant has not been reported in the literature in individuals affected with NFKB1-related conditions. Advanced modeling of protein sequence and biophysical properties (such as structural, functional, and spatial information, amino acid conservation, physicochemical variation, residue mobility, and thermodynamic stability) performed at Invitae indicates that this missense variant is not expected to disrupt NFKB1 protein function with a negative predictive value of 80%. In summary, the available evidence is currently insufficient to determine the role of this variant in disease. Therefore, it has been classified as a Variant of Uncertain Significance.